The following is an entry in ClinVar:

NM_000158.4(GBE1):c.992+2T>G

Gene: GBE1 (1,4-alpha-glucan branching enzyme 1; minus strand). Cytogenetic location: 3p12.2.
Variant type: single nucleotide variant.
Coding change: c.992+2T>G on transcript NM_000158.4 (MANE Select); the canonical splice donor site of the intron after coding-DNA position 992, T replaced by G.
Molecular consequence: splice donor variant.
Genome position (GRCh38, 1-based): chr3:81,642,779, A>C on the plus strand (T>G on the coding strand, the complement: GBE1 is on the minus strand). VCF-style: chr3-81642779-A-C. GRCh37 (hg19) VCF-style: chr3-81691930-A-C.
Identifiers: ClinVar variation 1066789 (VCV001066789.8), dbSNP rs772349876, ClinGen allele CA2499823.

ClinVar aggregate classification (germline): Likely pathogenic. Review status: criteria provided, multiple submitters, no conflicts (2 of 4 stars). 3 submissions from 3 submitters: Likely pathogenic (3). Last evaluated 2025-05-05.

Conditions:
Glycogen storage disease IV, classic hepatic. Also called: GSD IV, CLASSIC HEPATIC. Identifiers: MedGen C1856301.
Glycogen storage disease, type IV (GSD4). Also called: Glycogen storage disease due to glycogen branching enzyme deficiency; AMYLOPECTINOSIS; ANDERSEN DISEASE; BRANCHER DEFICIENCY; CIRRHOSIS, FAMILIAL, WITH DEPOSITION OF ABNORMAL GLYCOGEN; GBE1 DEFICIENCY. Identifiers: Orphanet 367, MedGen C0017923, MONDO:0009292, OMIM 232500.

Allele frequency attached by ClinVar (database versions not stated): gnomAD exomes below 0.00001; ExAC 0.00001.
gnomAD v4.1: 1 of 1,577,304 alleles (0.000063%); highest among the groups gnomAD compares: Admixed American, 0.0017%; no homozygotes.

Submissions (3):

Broad Center for Mendelian Genomics, Broad Institute of MIT and Harvard
Classification: Likely pathogenic for Glycogen storage disease, type IV. Last evaluated: 2025-05-05. Review status: criteria provided, single submitter. Criteria: ACMG Guidelines, 2015. Collection method: curation. Allele origin: germline. Inheritance: Autosomal recessive inheritance.
Comment: The c.992+2T>G variant in GBE1 has not been previously reported in the literature in individuals with GBE1-related disorders, but has been identified in 0.002% (1/59912) of Admixed American chromosomes by the Genome Aggregation Database (gnomAD; dbSNP ID: rs772349876). Although this variant has been seen in the general population in a heterozygous state, its frequency is low enough to be consistent with a recessive carrier frequency. This variant has also been reported in ClinVar (Variation ID#: 1066789) and has been interpreted as likely pathogenic by Baylor Genetics and Labcorp Genetics. This variant is located in the 3' splice region. SpliceAI predictions indicate use of an out-of-frame cryptic splice site 5 bases from the intron-exon boundary, providing evidence that this variant may cause a frameshift and lead to a premature termination codon downstream. This alteration is then predicted to lead to a truncated or absent protein. However, this information is not predictive enough to determine pathogenicity. Loss of function of the GBE1 gene is an established disease mechanism in autosomal recessive GBE1-related disorders. In summary, although additional studies are required to fully establish its clinical significance, this variant is likely pathogenic for autosomal recessive GSD IV. ACMG/AMP Criteria applied: PVS1, PM2_supporting (Richards 2015).

Labcorp Genetics (formerly Invitae), Labcorp
Classification: Likely pathogenic for Glycogen storage disease, type IV; Glycogen storage disease IV, classic hepatic. Last evaluated: 2023-12-28. Review status: criteria provided, single submitter. Criteria: Invitae Variant Classification Sherloc (09022015). Collection method: clinical testing. Allele origin: germline.
Comment: This sequence change affects a donor splice site in intron 7 of the GBE1 gene. It is expected to disrupt RNA splicing. Variants that disrupt the donor or acceptor splice site typically lead to a loss of protein function (PMID: 16199547), and loss-of-function variants in GBE1 are known to be pathogenic (PMID: 15452297, 20058079). This variant is present in population databases (rs772349876, gnomAD 0.003%). This variant has not been reported in the literature in individuals affected with GBE1-related conditions. ClinVar contains an entry for this variant (Variation ID: 1066789). Algorithms developed to predict the effect of sequence changes on RNA splicing suggest that this variant may disrupt the consensus splice site. In summary, the currently available evidence indicates that the variant is pathogenic, but additional data are needed to prove that conclusively. Therefore, this variant has been classified as Likely Pathogenic.

Baylor Genetics
Classification: Likely pathogenic for Glycogen storage disease, type IV. Last evaluated: 2023-08-08. Review status: criteria provided, single submitter. Criteria: ACMG Guidelines, 2015. Collection method: clinical testing. Allele origin: unknown.

Literature cited by the submitters: PubMed 16199547 (cited by Labcorp Genetics (formerly Invitae), Labcorp); PubMed 15452297 (cited by Labcorp Genetics (formerly Invitae), Labcorp); PubMed 20058079 (cited by Labcorp Genetics (formerly Invitae), Labcorp).